The following is an entry in ClinVar:

NM_003924.4(PHOX2B):c.*600T>G

Gene: PHOX2B (paired like homeobox 2B; minus strand). Cytogenetic location: 4p13.
Variant type: single nucleotide variant.
Coding change: c.*600T>G on transcript NM_003924.4 (MANE Select); 600 bases downstream of the stop codon, T replaced by G.
Molecular consequence: 3 prime UTR variant.
Genome position (GRCh38, 1-based): chr4:41,745,207, A>C on the plus strand (T>G on the coding strand, the complement: PHOX2B is on the minus strand). VCF-style: chr4-41745207-A-C. GRCh37 (hg19) VCF-style: chr4-41747224-A-C.
Identifiers: ClinVar variation 348797 (VCV000348797.5), dbSNP rs73139116, ClinGen allele CA10621045.
Genomic context (GRCh38, chr4:41,745,207, plus strand): 5'-AAGAGCCCCAAGAGAATCCGTGCTGTTAGGAGGGAGCGGATTTAGGGGTTCACAAGATCG[A>C]GCCTTCAGCTCCAGCTGCAGCTTCTCCCCTAGCCCCTCCTTTAATTTGTCTTTTTTTTCC-3'

ClinVar aggregate classification (germline): Benign. Review status: criteria provided, single submitter (1 of 4 stars). 2 submissions from 1 submitter: Benign (2). Last evaluated 2018-01-12.

Conditions:
Neuroblastoma, susceptibility to, 2. Identifiers: Orphanet 635, MedGen C2751682, MONDO:0700041, OMIM 613013.
Congenital central hypoventilation. Also called: Congenital Central Hypoventilation Syndrome. Identifiers: Orphanet 661, Orphanet 99803, MedGen C1275808, MONDO:0800031. Disease mechanism: gain of function.

Allele frequency attached by ClinVar (database versions not stated): gnomAD exomes 0.02302; 1000 Genomes Project 0.03155; TOPMed 0.03192; 1000 Genomes Project 30x 0.03264; gnomAD 0.03696 and 0.03760.
gnomAD v4.1: 7,468 of 233,310 alleles (3.2%); highest among the groups gnomAD compares: Middle Eastern, 6%; 176 homozygotes.

Submissions (2):

Illumina Laboratory Services, Illumina
Classification: Benign for Neuroblastoma, susceptibility to, 2. Last evaluated: 2018-01-12. Review status: criteria provided, single submitter. Criteria: ICSL Variant Classification Criteria 13 December 2019. Collection method: clinical testing. Allele origin: germline.
Comment: This variant was observed in the ICSL laboratory as part of a predisposition screen in an ostensibly healthy population. It had not been previously curated by ICSL or reported in the Human Gene Mutation Database (HGMD: prior to June 1st, 2018), and was therefore a candidate for classification through an automated scoring system. Utilizing variant allele frequency, disease prevalence and penetrance estimates, and inheritance mode, an automated score was calculated to assess if this variant is too frequent to cause the disease. Based on the score and internal cut-off values, a variant classified as benign is not then subjected to further curation. The score for this variant resulted in a classification of benign for this disease.

Illumina Laboratory Services, Illumina
Classification: Benign for Central hypoventilation syndrome, congenital, 1, with or without Hirschsprung disease. Last evaluated: 2018-01-12. Review status: criteria provided, single submitter. Criteria: ICSL Variant Classification Criteria 13 December 2019. Collection method: clinical testing. Allele origin: germline.
Comment: the same text as in the submission from Illumina Laboratory Services, Illumina above.